The following is an entry in ClinVar:

NM_017986.4(SLC52A1):c.1226T>C (p.Leu409Pro)

Gene: SLC52A1 (solute carrier family 52 member 1; minus strand). Cytogenetic location: 17p13.2.
Variant type: single nucleotide variant.
Coding change: c.1226T>C on transcript NM_017986.4 (MANE Select); coding-DNA position 1226, T replaced by C.
Protein change: p.Leu409Pro; replaces leucine 409 with proline.
Molecular consequence: missense variant.
Genome position (GRCh38, 1-based): chr17:5,033,078, A>G on the plus strand (T>C on the coding strand, the complement: SLC52A1 is on the minus strand). VCF-style: chr17-5033078-A-G. GRCh37 (hg19) VCF-style: chr17-4936373-A-G.
Other names: c.1226T>C, p.Leu409Pro (NM_001104577.2); short protein forms L409P.
Identifiers: ClinVar variation 2879601 (VCV002879601.3), dbSNP rs2508251469, ClinGen allele CA397325101.

ClinVar aggregate classification (germline): Uncertain significance (1 of 4 stars; one submission).

Conditions:
Vitamin B2 deficiency. Identifiers: MedGen C0035528.

Submission:

Labcorp Genetics (formerly Invitae), Labcorp
Classification: Uncertain significance for Vitamin B2 deficiency. Last evaluated: 2025-10-03. Review status: criteria provided, single submitter. Criteria: Invitae Variant Classification Sherloc (09022015). Collection method: clinical testing. Allele origin: germline.
Comment: This sequence change replaces leucine, which is neutral and non-polar, with proline, which is neutral and non-polar, at codon 409 of the SLC52A1 protein (p.Leu409Pro). This variant is not present in population databases (gnomAD no frequency). This variant has not been reported in the literature in individuals affected with SLC52A1-related conditions. ClinVar contains an entry for this variant (Variation ID: 2879601). Invitae Evidence Modeling of protein sequence and biophysical properties (such as structural, functional, and spatial information, amino acid conservation, physicochemical variation, residue mobility, and thermodynamic stability) indicates that this missense variant is not expected to disrupt SLC52A1 protein function with a negative predictive value of 80%. In summary, the available evidence is currently insufficient to determine the role of this variant in disease. Therefore, it has been classified as a Variant of Uncertain Significance.